The following is an entry in ClinVar:

ClinVar aggregate classification (germline): Uncertain significance (1 of 4 stars; one submission).

Submission:

Dasa
Classification: Uncertain significance. Last evaluated: 2026-06-15. Review status: criteria provided, single submitter. Criteria: DASA Assertion Criteria. Collection method: clinical testing. Allele origin: germline.
Comment: NM_001620.3(AHNAK):c.4832C>T (p.Pro1611Leu) is a missense variant that results in the substitution of proline with leucine. This variant is rare in population databases. The currently available literature and clinical evidence are not sufficient to establish a definitive association between this variant and the reported condition. Therefore, this variant is classified as a variant of uncertain significance.

NM_001620.3(AHNAK):c.4832C>T (p.Pro1611Leu)

Gene: AHNAK (AHNAK nucleoprotein; minus strand). Cytogenetic location: 11q12.3.
Variant type: single nucleotide variant.
Coding change: c.4832C>T on transcript NM_001620.3 (MANE Select); coding-DNA position 4832, C replaced by T.
Protein change: p.Pro1611Leu; replaces proline 1611 with leucine.
Molecular consequence: missense variant. On other transcripts: intron variant (1).
Genome position (GRCh38, 1-based): chr11:62,529,585, G>A on the plus strand (C>T on the coding strand, the complement: AHNAK is on the minus strand). VCF-style: chr11-62529585-G-A. GRCh37 (hg19) VCF-style: chr11-62297057-G-A.
Other names: c.4832C>T, p.Pro1611Leu (NM_001346445.2, NM_001346446.2); c.342+5418C>T (NM_024060.4); short protein forms P1611L.
Identifiers: ClinVar variation 5020380 (VCV005020380.1).